The following is an entry in ClinVar:

ClinVar aggregate classification (germline): Uncertain significance (1 of 4 stars; one submission).

Conditions:
Combined immunodeficiency due to LRBA deficiency. Also called: Common variable immunodeficiency 8, with autoimmunity. Identifiers: Orphanet 445018, MedGen C3553512, MONDO:0013863, OMIM 614700.

Submission:

Labcorp Genetics (formerly Invitae), Labcorp
Classification: Uncertain significance for Combined immunodeficiency due to LRBA deficiency. Last evaluated: 2021-02-26. Review status: criteria provided, single submitter. Criteria: Invitae Variant Classification Sherloc (09022015). Collection method: clinical testing. Allele origin: germline.
Comment: This sequence change replaces cysteine with serine at codon 2740 of the LRBA protein (p.Cys2740Ser). The cysteine residue is weakly conserved and there is a moderate physicochemical difference between cysteine and serine. This variant is not present in population databases (ExAC no frequency). This variant has not been reported in the literature in individuals with LRBA-related conditions. Algorithms developed to predict the effect of missense changes on protein structure and function are either unavailable or do not agree on the potential impact of this missense change (SIFT: "Tolerated"; PolyPhen-2: "Possibly Damaging"; Align-GVGD: "Class C0"). In summary, the available evidence is currently insufficient to determine the role of this variant in disease. Therefore, it has been classified as a Variant of Uncertain Significance.

NM_001364905.1(LRBA):c.8186G>C (p.Cys2729Ser)

Gene: LRBA (LPS responsive beige-like anchor protein; minus strand). Cytogenetic location: 4q31.3.
Variant type: single nucleotide variant.
Coding change: c.8186G>C on transcript NM_001364905.1 (MANE Select); coding-DNA position 8186, G replaced by C.
Protein change: p.Cys2729Ser; replaces cysteine 2729 with serine.
Molecular consequence: missense variant.
Genome position (GRCh38, 1-based): chr4:150,282,580, C>G on the plus strand (G>C on the coding strand, the complement: LRBA is on the minus strand). VCF-style: chr4-150282580-C-G. GRCh37 (hg19) VCF-style: chr4-151203732-C-G.
Other names: c.8183G>C, p.Cys2728Ser (NM_001199282.3); c.8201G>C, p.Cys2734Ser (NM_001367550.1); c.8219G>C, p.Cys2740Ser (NM_006726.5); short protein forms C2728S, C2729S, C2740S, C2734S.
Identifiers: ClinVar variation 1484395 (VCV001484395.8), dbSNP rs2126765169, ClinGen allele CA358440359.